The following is an entry in ClinVar:

NM_020975.6(RET):c.3190A>T (p.Met1064Leu)

Gene: RET (ret proto-oncogene; plus strand). Cytogenetic location: 10q11.21.
Variant type: single nucleotide variant.
Coding change: c.3190A>T on transcript NM_020975.6 (MANE Select); coding-DNA position 3190, A replaced by T.
Protein change: p.Met1064Leu; replaces methionine 1064 with leucine.
Molecular consequence: missense variant. On other transcripts: 3 prime UTR variant (18), intron variant (3).
Genome position (GRCh38, 1-based): chr10:43,128,114, A>T. VCF-style: chr10-43128114-A-T. GRCh37 (hg19) VCF-style: chr10-43623562-A-T.
Other names: c.3190A>T, p.Met1064Leu (NM_000323.2, NM_001406743.1); c.*1360A>T (NM_001355216.2, NM_001406764.1, NM_001406765.1 and 15 more transcripts); c.3130A>T, p.Met1044Leu (NM_001406759.1, NM_001406760.1); c.3061A>T, p.Met1021Leu (NM_001406761.1, NM_001406762.1); c.3055A>T, p.Met1019Leu (NM_001406763.1); c.2902A>T, p.Met968Leu (NM_001406766.1, NM_001406767.1); c.2794A>T, p.Met932Leu (NM_001406769.1); c.2752A>T, p.Met918Leu (NM_001406771.1); and 10 more; short protein forms M1064L, M561L, M802L, M822L, M918L, M765L, M1021L, M581L.
Identifiers: ClinVar variation 2454118 (VCV002454118.2), dbSNP rs2538660509, ClinGen allele CA376558747.

ClinVar aggregate classification (germline): Uncertain significance (1 of 4 stars; one submission).

Conditions:
Hereditary cancer-predisposing syndrome. Also called: Neoplastic Syndromes, Hereditary; Hereditary neoplastic syndrome; Tumor predisposition; Hereditary Cancer Syndrome. Identifiers: Orphanet 140162, MedGen C0027672, MeSH D009386, MONDO:0015356.

Submission:

Ambry Genetics
Classification: Uncertain significance for Hereditary cancer-predisposing syndrome. Last evaluated: 2022-11-09. Review status: criteria provided, single submitter. Criteria: Ambry Variant Classification Scheme 2023. Collection method: clinical testing. Allele origin: germline.
Comment: The p.M1064L variant (also known as c.3190A>T), located in coding exon 20 of the RET gene, results from an A to T substitution at nucleotide position 3190. The methionine at codon 1064 is replaced by leucine, an amino acid with highly similar properties. This amino acid position is highly conserved in available vertebrate species. In addition, the in silico prediction for this alteration is inconclusive. Since supporting evidence is limited at this time, the clinical significance of this alteration remains unclear.